The following is an entry in ClinVar:

NM_001005361.3(DNM2):c.700G>A (p.Val234Met)

Gene: DNM2 (dynamin 2; plus strand). Cytogenetic location: 19p13.2.
Variant type: single nucleotide variant.
Coding change: c.700G>A on transcript NM_001005361.3 (MANE Select); coding-DNA position 700, G replaced by A.
Protein change: p.Val234Met; replaces valine 234 with methionine.
Molecular consequence: missense variant.
Genome position (GRCh38, 1-based): chr19:10,782,971, G>A. VCF-style: chr19-10782971-G-A. GRCh37 (hg19) VCF-style: chr19-10893647-G-A.
Other names: c.700G>A, p.Val234Met (NM_001005360.3, NM_001005362.3, NM_001190716.2 and 1 more transcripts); short protein forms V234M.
Identifiers: ClinVar variation 949637 (VCV000949637.14), dbSNP rs377159042, ClinGen allele CA9200878.

ClinVar aggregate classification (germline): Uncertain significance. Review status: criteria provided, multiple submitters, no conflicts (2 of 4 stars). 3 submissions from 3 submitters: Uncertain significance (3). Last evaluated 2026-05-01.

Conditions:
Charcot-Marie-Tooth disease dominant intermediate B (CMTDIB). Also called: CHARCOT-MARIE-TOOTH NEUROPATHY, DOMINANT INTERMEDIATE B; Charcot-Marie-Tooth disease dominant intermediate 1; CMT DI1; Charcot-Marie-Tooth disease dominant intermediate I. Identifiers: Orphanet 100044, Orphanet 228179, MedGen C1847902, MONDO:0011674, OMIM 606482.

Allele frequency attached by ClinVar (database versions not stated): TOPMed 0.00001; ESP Exome Variant Server 0.00008; 1000 Genomes Project 30x 0.00016; 1000 Genomes Project 0.00020.
gnomAD v4.1: 39 of 1,614,008 alleles (0.0024%); highest among the groups gnomAD compares: South Asian, 0.0099%; no homozygotes.

Submissions (3):

CeGaT Center for Human Genetics Tuebingen
Classification: Uncertain significance. Last evaluated: 2026-05-01. Review status: criteria provided, single submitter. Criteria: CeGaT Center For Human Genetics Tuebingen Variant Classification Criteria Version 2. Collection method: clinical testing. Allele origin: germline. Affected: yes. Observed: 1 variant allele.
Comment: DNM2: PM2, PP3

Dasa
Classification: Uncertain significance. Last evaluated: 2026-01-03. Review status: criteria provided, single submitter. Criteria: DASA Assertion Criteria. Collection method: clinical testing. Allele origin: germline.
Comment: NM_001005361.3(DNM2):c.700G>A (p.Val234Met) is a missense variant that results in the substitution of valine with methionine. This variant is rare in population databases. Computational prediction algorithms are consistent with a deleterious effect. The currently available literature and clinical evidence are not sufficient to establish a definitive association between this variant and the reported condition. Therefore, this variant is classified as a variant of uncertain significance.

Labcorp Genetics (formerly Invitae), Labcorp
Classification: Uncertain significance for Charcot-Marie-Tooth disease dominant intermediate B. Last evaluated: 2024-11-12. Review status: criteria provided, single submitter. Criteria: Invitae Variant Classification Sherloc (09022015). Collection method: clinical testing. Allele origin: germline.
Comment: This sequence change replaces valine, which is neutral and non-polar, with methionine, which is neutral and non-polar, at codon 234 of the DNM2 protein (p.Val234Met). This variant is present in population databases (rs377159042, gnomAD 0.01%). This variant has not been reported in the literature in individuals affected with DNM2-related conditions. ClinVar contains an entry for this variant (Variation ID: 949637). Invitae Evidence Modeling of protein sequence and biophysical properties (such as structural, functional, and spatial information, amino acid conservation, physicochemical variation, residue mobility, and thermodynamic stability) indicates that this missense variant is expected to disrupt DNM2 protein function with a positive predictive value of 80%. In summary, the available evidence is currently insufficient to determine the role of this variant in disease. Therefore, it has been classified as a Variant of Uncertain Significance.